The following is an entry in ClinVar:

ClinVar aggregate classification (germline): Uncertain significance (1 of 4 stars; one submission).

Allele frequency attached by ClinVar (database versions not stated): gnomAD exomes below 0.00001; ExAC 0.00001.
gnomAD v4.1: 2 of 1,611,904 alleles (0.00012%); highest among the groups gnomAD compares: Non-Finnish European, 0.00017%; no homozygotes.

Submission:

Labcorp Genetics (formerly Invitae), Labcorp
Classification: Uncertain significance. Last evaluated: 2023-12-18. Review status: criteria provided, single submitter. Criteria: Invitae Variant Classification Sherloc (09022015). Collection method: clinical testing. Allele origin: germline.
Comment: This sequence change replaces cysteine, which is neutral and slightly polar, with glycine, which is neutral and non-polar, at codon 366 of the GPR179 protein (p.Cys366Gly). This variant is present in population databases (rs780560830, gnomAD 0.0009%). This variant has not been reported in the literature in individuals affected with GPR179-related conditions. ClinVar contains an entry for this variant (Variation ID: 1715975). An algorithm developed to predict the effect of missense changes on protein structure and function (PolyPhen-2) suggests that this variant is likely to be disruptive. In summary, the available evidence is currently insufficient to determine the role of this variant in disease. Therefore, it has been classified as a Variant of Uncertain Significance.

NM_001004334.4(GPR179):c.1096T>G (p.Cys366Gly)

Gene: GPR179 (G protein-coupled receptor 179; minus strand). Cytogenetic location: 17q12.
Variant type: single nucleotide variant.
Coding change: c.1096T>G on transcript NM_001004334.4 (MANE Select); coding-DNA position 1096, T replaced by G.
Protein change: p.Cys366Gly; replaces cysteine 366 with glycine.
Molecular consequence: missense variant.
Genome position (GRCh38, 1-based): chr17:38,337,109, A>C on the plus strand (T>G on the coding strand, the complement: GPR179 is on the minus strand). VCF-style: chr17-38337109-A-C. GRCh37 (hg19) VCF-style: chr17-36492992-A-C.
Other names: short protein forms C366G.
Identifiers: ClinVar variation 1715975 (VCV001715975.5), dbSNP rs780560830, ClinGen allele CA290109392.